The following is an entry in ClinVar:

NM_152268.4(PARS2):c.902A>G (p.Lys301Arg)

Gene: PARS2 (prolyl-tRNA synthetase 2, mitochondrial; minus strand). Cytogenetic location: 1p32.3.
Variant type: single nucleotide variant.
Coding change: c.902A>G on transcript NM_152268.4 (MANE Select); coding-DNA position 902, A replaced by G.
Protein change: p.Lys301Arg; replaces lysine 301 with arginine.
Molecular consequence: missense variant.
Genome position (GRCh38, 1-based): chr1:54,758,260, T>C on the plus strand (A>G on the coding strand, the complement: PARS2 is on the minus strand). VCF-style: chr1-54758260-T-C. GRCh37 (hg19) VCF-style: chr1-55223933-T-C.
Other names: short protein forms K301R.
Identifiers: ClinVar variation 3342007 (VCV003342007.16).

ClinVar aggregate classification (germline): Uncertain significance (1 of 4 stars; one submission).

gnomAD v4.1: 11 of 1,614,152 alleles (0.00068%); highest among the groups gnomAD compares: Non-Finnish European, 0.00068%; no homozygotes.

Submission:

CeGaT Center for Human Genetics Tuebingen
Classification: Uncertain significance. Last evaluated: 2024-07-01. Review status: criteria provided, single submitter. Criteria: CeGaT Center For Human Genetics Tuebingen Variant Classification Criteria Version 2. Collection method: clinical testing. Allele origin: germline. Affected: yes. Observed: 1 variant allele.
Comment: PARS2: PM2, PM3, BP4